The following is an entry in ClinVar:

ClinVar aggregate classification (germline): Uncertain significance (1 of 4 stars; one submission).

Conditions:
Distal hereditary motor neuropathy type 2. Identifiers: Orphanet 139525, MedGen C3711384, MeSH C580044, MONDO:0015352.

Allele frequency attached by ClinVar (database versions not stated): gnomAD 0.00001; gnomAD exomes 0.00001; TOPMed 0.00001.

Submission:

Labcorp Genetics (formerly Invitae), Labcorp
Classification: Uncertain significance for Distal hereditary motor neuropathy type 2. Last evaluated: 2023-12-04. Review status: criteria provided, single submitter. Criteria: Invitae Variant Classification Sherloc (09022015). Collection method: clinical testing. Allele origin: germline.
Comment: This sequence change replaces isoleucine, which is neutral and non-polar, with valine, which is neutral and non-polar, at codon 980 of the FBXO38 protein (p.Ile980Val). This variant is not present in population databases (gnomAD no frequency). This variant has not been reported in the literature in individuals affected with FBXO38-related conditions. ClinVar contains an entry for this variant (Variation ID: 541013). An algorithm developed to predict the effect of missense changes on protein structure and function (PolyPhen-2) suggests that this variant is likely to be disruptive. In summary, the available evidence is currently insufficient to determine the role of this variant in disease. Therefore, it has been classified as a Variant of Uncertain Significance.

NM_205836.3(FBXO38):c.3163A>G (p.Ile1055Val)

Gene: FBXO38 (F-box protein 38; plus strand). Cytogenetic location: 5q32.
Variant type: single nucleotide variant.
Coding change: c.3163A>G on transcript NM_205836.3 (MANE Select); coding-DNA position 3163, A replaced by G.
Protein change: p.Ile1055Val; replaces isoleucine 1055 with valine.
Molecular consequence: missense variant.
Genome position (GRCh38, 1-based): chr5:148,439,785, A>G. VCF-style: chr5-148439785-A-G. GRCh37 (hg19) VCF-style: chr5-147819348-A-G.
Other names: c.2428A>G, p.Ile810Val (NM_001271723.2); c.2938A>G, p.Ile980Val (NM_030793.5); short protein forms I810V, I980V, I1055V.
Identifiers: ClinVar variation 541013 (VCV000541013.8), dbSNP rs1399229383, ClinGen allele CA361660968.